The following is an entry in ClinVar:

NM_015215.4(CAMTA1):c.484C>G (p.His162Asp)

Gene: CAMTA1 (calmodulin binding transcription activator 1; plus strand). Cytogenetic location: 1p36.23.
Variant type: single nucleotide variant.
Coding change: c.484C>G on transcript NM_015215.4 (MANE Select); coding-DNA position 484, C replaced by G.
Protein change: p.His162Asp; replaces histidine 162 with aspartic acid.
Molecular consequence: missense variant. On other transcripts: intron variant (1).
Genome position (GRCh38, 1-based): chr1:7,467,875, C>G. VCF-style: chr1-7467875-C-G. GRCh37 (hg19) VCF-style: chr1-7527935-C-G.
Other names: c.394C>G, p.His132Asp (NM_001349608.2, NM_001349612.2); c.484C>G, p.His162Asp (NM_001349609.2, NM_001349610.2, NM_001410737.1); c.439-172525C>G (NM_001410738.1); short protein forms H132D, H162D.
Identifiers: ClinVar variation 3390518 (VCV003390518.1).

ClinVar aggregate classification (germline): Uncertain significance (1 of 4 stars; one submission).

Submission:

GeneDx
Classification: Uncertain significance. Last evaluated: 2024-06-16. Review status: criteria provided, single submitter. Criteria: GeneDx Variant Classification Process June 2021. Collection method: clinical testing. Allele origin: germline. Affected: yes.
Comment: Not observed at significant frequency in large population cohorts (gnomAD); In silico analysis supports that this missense variant has a deleterious effect on protein structure/function; Has not been previously published as pathogenic or benign to our knowledge